The following is an entry in ClinVar:

NM_002618.4(PEX13):c.213del (p.Phe71fs)

Gene: PEX13 (peroxisomal biogenesis factor 13; plus strand). Cytogenetic location: 2p15.
Variant type: Deletion.
Coding change: c.213del on transcript NM_002618.4 (MANE Select); coding-DNA position 213, one base deleted (T; older notation c.213delT).
Protein change: p.Phe71fs; shifts the reading frame from phenylalanine 71.
Molecular consequence: frameshift variant.
Genome position (GRCh38, 1-based): chr2:61,031,539, T deleted; the last of 4 consecutive T bases (chr2:61,031,536-61,031,539); deleting any one gives the same sequence. VCF-style (leftmost placement, unchanged base first): chr2-61031535-CT-C. GRCh37 (hg19) VCF-style: chr2-61258670-CT-C.
Other names: short protein forms F71fs.
Identifiers: ClinVar variation 3649968 (VCV003649968.2).

ClinVar aggregate classification (germline): Pathogenic (1 of 4 stars; one submission).

Conditions:
Peroxisome biogenesis disorder 11A (Zellweger). Also called: Peroxisome biogenesis disorder 11A. Identifiers: Orphanet 912, MedGen C3554000, MONDO:0013949, OMIM 614883.

Submission:

Labcorp Genetics (formerly Invitae), Labcorp
Classification: Pathogenic for Peroxisome biogenesis disorder 11A (Zellweger). Last evaluated: 2024-04-15. Review status: criteria provided, single submitter. Criteria: Invitae Variant Classification Sherloc (09022015). Collection method: clinical testing. Allele origin: germline.
Comment: This sequence change creates a premature translational stop signal (p.Phe71Leufs*40) in the PEX13 gene. It is expected to result in an absent or disrupted protein product. Loss-of-function variants in PEX13 are known to be pathogenic (PMID: 10332040, 21031596). This variant is not present in population databases (gnomAD no frequency). This variant has not been reported in the literature in individuals affected with PEX13-related conditions. For these reasons, this variant has been classified as Pathogenic.

Literature cited by the submitters: PubMed 10332040; PubMed 21031596.